The following is an entry in ClinVar:

ClinVar aggregate classification (germline): Uncertain significance (1 of 4 stars; one submission).

Submission:

Quest Diagnostics Nichols Institute San Juan Capistrano
Classification: Uncertain significance. Last evaluated: 2025-08-11. Review status: criteria provided, single submitter. Criteria: Quest Diagnostics criteria. Collection method: clinical testing. Allele origin: unknown.
Comment: The FANCA c.2739C>T (p.His913=) synonymous variant has not been reported in individuals with FANCA-related conditions in the published literature. This variant also has not been reported in large, multi-ethnic general populations (Genome Aggregation Database). Analysis of this variant using software algorithms for the prediction of the effect of nucleotide changes on splicing yielded predictions that this variant does not affect FANCA mRNA splicing. Based on the available information, we are unable to determine the clinical significance of this variant.

NM_000135.4(FANCA):c.2739C>T (p.His913=)

Gene: FANCA (FA complementation group A; minus strand). Cytogenetic location: 16q24.3.
Variant type: single nucleotide variant.
Coding change: c.2739C>T on transcript NM_000135.4 (MANE Select); coding-DNA position 2739, C replaced by T.
Protein change: p.His913=; no amino-acid change (histidine 913 retained).
Molecular consequence: synonymous variant.
Genome position (GRCh38, 1-based): chr16:89,764,929, G>A on the plus strand (C>T on the coding strand, the complement: FANCA is on the minus strand). VCF-style: chr16-89764929-G-A. GRCh37 (hg19) VCF-style: chr16-89831337-G-A.
Other names: c.2739C>T, p.His913= (NM_001286167.3).
Identifiers: ClinVar variation 4532867 (VCV004532867.1).
Genomic context (GRCh38, chr16:89,764,929, plus strand): 5'-GGAGAAGGAACGGTCACCTACGTGAACATCTTCCTCTTTCAACACCTCTCGGAAGGTTCT[G>A]TGTGTCCAGAGAGAGAGGGCAGCTCTCTGCCAGTCTGCAGAAGGAAGGTGCAAGGGTCTC-3'
Protein context (NP_000126.2, residues 903-923): WQRAALSLWT[His913=]RTFREVLKEE